The following is an entry in ClinVar:

ClinVar aggregate classification (germline): Likely benign. Review status: criteria provided, single submitter (1 of 4 stars). 2 submissions from 2 submitters: Likely benign (1). 1 of the submissions does not count toward it. Last evaluated 2024-11-18.

Conditions:
MAP3K6-related disorder. Also called: MAP3K6-related condition.

Allele frequency attached by ClinVar (database versions not stated): 1000 Genomes Project 30x 0.00016; 1000 Genomes Project 0.00020; ESP Exome Variant Server 0.00023; TOPMed 0.00029; gnomAD 0.00030; gnomAD exomes 0.00041; ExAC 0.00069.
gnomAD v4.1: 631 of 1,601,458 alleles (0.039%); highest among the groups gnomAD compares: South Asian, 0.048%; 1 homozygote.

Submissions (2):

Blueprint Genetics
Classification: Likely benign. Last evaluated: 2024-11-18. Review status: criteria provided, single submitter. Criteria: ACMG Guidelines, 2015. Collection method: clinical testing. Allele origin: germline.

PreventionGenetics, part of Exact Sciences
Classification: Likely benign for MAP3K6-related condition. Last evaluated: 2019-07-30. Review status: no assertion criteria provided. Collection method: clinical testing. Allele origin: germline. Not counted in ClinVar's aggregate classification.
Comment: This variant is classified as likely benign based on ACMG/AMP sequence variant interpretation guidelines (Richards et al. 2015 PMID: 25741868, with internal and published modifications).

NM_004672.5(MAP3K6):c.1467C>T (p.Pro489=)

Gene: MAP3K6 (mitogen-activated protein kinase kinase kinase 6; minus strand). Cytogenetic location: 1p36.11.
Variant type: single nucleotide variant.
Coding change: c.1467C>T on transcript NM_004672.5 (MANE Select); coding-DNA position 1467, C replaced by T.
Protein change: p.Pro489=; no amino-acid change (proline 489 retained).
Molecular consequence: synonymous variant.
Genome position (GRCh38, 1-based): chr1:27,361,816, G>A on the plus strand (C>T on the coding strand, the complement: MAP3K6 is on the minus strand). VCF-style: chr1-27361816-G-A. GRCh37 (hg19) VCF-style: chr1-27688307-G-A.
Other names: c.1443C>T, p.Pro481= (NM_001297609.2).
Identifiers: ClinVar variation 3035484 (VCV003035484.3), dbSNP rs373729597, ClinGen allele CA713762.